The following is an entry in ClinVar:

NM_000020.3(ACVRL1):c.986_999del (p.Arg329fs)

Gene: ACVRL1 (activin A receptor like type 1; plus strand). Cytogenetic location: 12q13.13.
Variant type: Deletion.
Coding change: c.986_999del on transcript NM_000020.3 (MANE Select); coding-DNA positions 986 to 999, 14 bases deleted (GCGACTTCAAGAGC).
Protein change: p.Arg329fs; shifts the reading frame from arginine 329.
Molecular consequence: frameshift variant.
Genome position (GRCh38, 1-based): chr12:51,915,438-51,915,451, GCGACTTCAAGAGC deleted; deleting any 14 consecutive bases within chr12:51,915,437-51,915,451 gives the same sequence; the c. name uses the placement nearest the transcript's 3' end. VCF-style (leftmost placement, unchanged base first): chr12-51915436-CCGCGACTTCAAGAG-C. GRCh37 (hg19) VCF-style: chr12-52309220-CCGCGACTTCAAGAG-C.
Other names: p.Arg329Profs*58; c.986_999del, p.Arg329fs (NM_001077401.2, NM_001406487.1, NM_001406488.1 and 1 more transcripts); c.674_687del, p.Arg225fs (NM_001406490.1, NM_001406491.1, NM_001406492.1 and 2 more transcripts); c.422_435del, p.Arg141fs (NM_001406495.1); short protein forms R141fs, R225fs, R329fs.
Identifiers: ClinVar variation 4541716 (VCV004541716.1).

ClinVar aggregate classification (germline): Likely pathogenic (1 of 4 stars; one submission).

Submission:

Mayo Clinic Laboratories, Mayo Clinic
Classification: Likely pathogenic. Last evaluated: 2025-09-22. Review status: criteria provided, single submitter. Criteria: ACMG Guidelines, 2015. Collection method: clinical testing. Allele origin: germline. Observed: 1 variant allele.
Comment: PM2_supporting, PVS1

Literature cited by the submitters: PubMed 15879500.